The following is an entry in ClinVar:

NM_016030.6(TRAPPC12):c.2160C>T (p.Ala720=)

Genes: TRAPPC12 (trafficking protein particle complex subunit 12; plus strand), TRAPPC12-AS1 (TRAPPC12 antisense RNA 1; minus strand). Cytogenetic location: 2p25.3.
Variant type: single nucleotide variant.
Coding change: c.2160C>T on transcript NM_016030.6 (MANE Select); coding-DNA position 2160, C replaced by T.
Protein change: p.Ala720=; no amino-acid change (alanine 720 retained).
Molecular consequence: synonymous variant. On other transcripts: non-coding transcript variant (1).
Genome position (GRCh38, 1-based): chr2:3,479,413, C>T. VCF-style: chr2-3479413-C-T. GRCh37 (hg19) VCF-style: chr2-3483184-C-T.
Other names: c.2160C>T, p.Ala720= (NM_001321102.2).
Identifiers: ClinVar variation 3026437 (VCV003026437.22), dbSNP rs147489818, ClinGen allele CA1515794.

ClinVar aggregate classification (germline): Likely benign (1 of 4 stars; one submission).

Allele frequency attached by ClinVar (database versions not stated): TOPMed below 0.00001; gnomAD 0.00001; gnomAD exomes 0.00001; ExAC 0.00003; ESP Exome Variant Server 0.00008.
gnomAD v4.1: 19 of 1,613,974 alleles (0.0012%); highest among the groups gnomAD compares: African/African-American, 0.0053%; no homozygotes.

Submission:

CeGaT Center for Human Genetics Tuebingen
Classification: Likely benign. Last evaluated: 2023-12-01. Review status: criteria provided, single submitter. Criteria: CeGaT Center For Human Genetics Tuebingen Variant Classification Criteria Version 2. Collection method: clinical testing. Allele origin: germline. Affected: yes. Observed: 1 variant allele.
Comment: TRAPPC12: BP4, BP7